The following is an entry in ClinVar:

ClinVar aggregate classification (germline): Pathogenic/Likely pathogenic. Review status: criteria provided, multiple submitters, no conflicts (2 of 4 stars). 9 submissions from 9 submitters: Pathogenic (6); Likely pathogenic (2). 1 of the submissions does not count toward it. Last evaluated 2026-05-11.

Conditions:
PKHD1-related disorder. Also called: PKHD1-related condition.
Autosomal dominant polycystic liver disease. Also called: Congenital cystic disease of liver; Polycystic liver disease. Identifiers: Orphanet 2924, MedGen C0158683, MONDO:0000447, HP:0006557.
Polycystic kidney disease 4 (PKD4). Also called: POLYCYSTIC KIDNEY DISEASE 4 WITH OR WITHOUT POLYCYSTIC LIVER DISEASE; Autosomal Recessive Polycystic Kidney Disease – PKHD1; POLYCYSTIC KIDNEY AND HEPATIC DISEASE 1; POLYCYSTIC KIDNEY DISEASE, INFANTILE, TYPE I; PKD3. Identifiers: MedGen C4540575, MONDO:0033004, OMIM 263200.
Autosomal recessive polycystic kidney disease (ARPKD). Also called: AR polycystic kidney disease. Identifiers: Orphanet 731, Orphanet 8378, MedGen C0085548, MeSH D017044, MONDO:0009889.

Allele frequency attached by ClinVar (database versions not stated): gnomAD 0.00006; TOPMed 0.00006.
gnomAD v4.1: 36 of 1,590,584 alleles (0.0023%); highest among the groups gnomAD compares: Non-Finnish European, 0.0028%; no homozygotes.

Submissions (9):

Women's Health and Genetics/Laboratory Corporation of America, LabCorp
Classification: Pathogenic for Autosomal recessive polycystic kidney disease. Last evaluated: 2026-05-11. Review status: criteria provided, single submitter. Criteria: LabCorp Variant Classification Summary - May 2015. Collection method: clinical testing. Allele origin: germline.
Comment: Variant summary: PKHD1 c.8518C>T (p.Arg2840Cys) results in a non-conservative amino acid change in the encoded protein sequence. Algorithms developed to predict the effect of missense changes on protein structure and function all suggest that this variant is likely to be disruptive. The variant allele was found at a frequency of 2.4e-05 in 249810 control chromosomes. c.8518C>T has been reported in the literature in multiple individuals affected with Polycystic Kidney And Hepatic Disease (Sharp_2005, Bergmann_2005, Denamur_2010, Losekoot_2005, Yang_2019). These data indicate that the variant is very likely to be associated with disease. To our knowledge, no experimental evidence demonstrating an impact on protein function has been reported. The following publications have been ascertained in the context of this evaluation (PMID: 15698423, 19940839, 16133180, 15805161, 30507656). ClinVar contains an entry for this variant (Variation ID: 636941). Based on the evidence outlined above, the variant was classified as pathogenic.

PreventionGenetics, part of Exact Sciences
Classification: Pathogenic for PKHD1-related condition. Last evaluated: 2026-04-20. Review status: criteria provided, single submitter. Criteria: ACMG Guidelines, 2015. Collection method: clinical testing. Allele origin: germline.
Comment: The PKHD1 c.8518C>T variant is predicted to result in the amino acid substitution p.Arg2840Cys. This variant has been reported in the compound heterozygous state in multiple individuals with autosomal recessive polycystic kidney disease (ARPKD) and congenital hepatic fibrosis (CHF) (Sharp et al. 2005. PubMed ID: 15805161; Losekoot et al. 2005. PubMed ID: 16133180; Yang et al. 2018. PubMed ID: 30507656; Li et al. 2023. PubMed ID: 36835961) and has been shown to segregate with disease in at least 3 families (Losekoot et al. 2005. PubMed ID: 16133180; Yang et al. 2018. PubMed ID: 30507656). Furthermore, we have repeatedly found this variant in both the compound heterozygous and homozygous states in several presumably unrelated ARPKD patients at PreventionGenetics. This variant is reported in 0.0047% of alleles in individuals of European (Non-Finnish) descent in gnomAD. This variant is interpreted as pathogenic.

Otogenetics
Classification: Likely pathogenic for Autosomal recessive polycystic kidney disease. Last evaluated: 2026-02-09. Review status: criteria provided, single submitter. Criteria: ACMG Guidelines, 2015. Collection method: clinical testing. Allele origin: germline.
Comment: PM2: Maximum gnomAD MAF of 0.0047% in European-Non Finnish (NFE) subpopulation (<0.271% threshold); PM3_Strong: Variant reported in trans with five pathogenic variants in five individuals affected with early onset polycystic kidney disease (PMID: 15805161, 16133180, 19940839, 30507656); PP3: In-silico models predict deleterious effect (Revel = 0.72, BayesDel = 0.25)

Natera, Inc.
Classification: Pathogenic for Autosomal recessive polycystic kidney disease. Last evaluated: 2026-01-01. Review status: criteria provided, single submitter. Criteria: Natera Variant Classification Schema (03/2026). Collection method: clinical testing. Allele origin: germline.
Comment: The c.8518C>T variant in PKHD1 is a missense variant predicted to cause substitution of arginine to cysteine at amino acid 2840. This variant is rare in the general population with a frequency below the threshold expected for the associated phenotype(s). This variant has been observed in one or more individuals affected with the associated recessive disease, as either homozygous or compound heterozygous with a second variant (PMID: 16133180). Given the available evidence, this variant is classified as Pathogenic.

Labcorp Genetics (formerly Invitae), Labcorp
Classification: Pathogenic for Autosomal recessive polycystic kidney disease. Last evaluated: 2025-12-02. Review status: criteria provided, single submitter. Criteria: Invitae Variant Classification Sherloc (09022015). Collection method: clinical testing. Allele origin: germline.
Comment: This sequence change replaces arginine, which is basic and polar, with cysteine, which is neutral and slightly polar, at codon 2840 of the PKHD1 protein (p.Arg2840Cys). This variant is present in population databases (rs200432861, gnomAD 0.005%). This missense change has been observed in individuals with polycystic kidney disease (PMID: 15805161, 16133180, 30507656). It has also been observed to segregate with disease in related individuals. ClinVar contains an entry for this variant (Variation ID: 636941). Invitae Evidence Modeling of protein sequence and biophysical properties (such as structural, functional, and spatial information, amino acid conservation, physicochemical variation, residue mobility, and thermodynamic stability) indicates that this missense variant is expected to disrupt PKHD1 protein function with a positive predictive value of 95%. For these reasons, this variant has been classified as Pathogenic.

Fulgent Genetics
Classification: Likely pathogenic for Polycystic kidney disease 4. Last evaluated: 2024-03-08. Review status: criteria provided, single submitter. Criteria: ACMG Guidelines, 2015. Collection method: clinical testing. Allele origin: germline.

Blueprint Genetics
Classification: Pathogenic for PKHD1-related disorders. Last evaluated: 2024-01-11. Review status: criteria provided, single submitter. Criteria: ACMG Guidelines, 2015. Collection method: clinical testing. Allele origin: germline. Affected: yes. Observed: 2 variant alleles.

Baylor Genetics
Classification: Pathogenic for Polycystic kidney disease 4. Review status: criteria provided, single submitter. Criteria: ACMG Guidelines, 2015. Collection method: clinical testing. Allele origin: germline.

Laboratory of Gastroenterology and Hepatology, Radboud University Medical Center
Classification: Likely pathogenic for Autosomal dominant polycystic liver disease. Last evaluated: 2021-09-01. Review status: no assertion criteria provided. Collection method: research. Allele origin: germline. Affected: yes. Not counted in ClinVar's aggregate classification.

Literature cited by the submitters: PubMed 15698423 (cited by Women's Health and Genetics/Laboratory Corporation of America, LabCorp); PubMed 15805161 (cited by 3 submitters); PubMed 16133180 (cited by 4 submitters); PubMed 19940839 (cited by Women's Health and Genetics/Laboratory Corporation of America, LabCorp and Otogenetics); PubMed 30507656 (cited by 3 submitters).

NM_138694.4(PKHD1):c.8518C>T (p.Arg2840Cys)

Gene: PKHD1 (PKHD1 ciliary IPT domain containing fibrocystin/polyductin; minus strand). Cytogenetic location: 6p12.3.
Variant type: single nucleotide variant.
Coding change: c.8518C>T on transcript NM_138694.4 (MANE Select); coding-DNA position 8518, C replaced by T.
Protein change: p.Arg2840Cys; replaces arginine 2840 with cysteine.
Molecular consequence: missense variant.
Genome position (GRCh38, 1-based): chr6:51,775,844, G>A on the plus strand (C>T on the coding strand, the complement: PKHD1 is on the minus strand). VCF-style: chr6-51775844-G-A. GRCh37 (hg19) VCF-style: chr6-51640642-G-A.
Other names: c.8518C>T, p.Arg2840Cys (NM_170724.3); c.8518C>T (NM_170724.2); short protein forms R2840C.
Identifiers: ClinVar variation 636941 (VCV000636941.51), dbSNP rs200432861, ClinGen allele CA3851606.